The following is an entry in ClinVar:

NM_139318.5(KCNH5):c.2029C>G (p.Arg677Gly)

Gene: KCNH5 (potassium voltage-gated channel subfamily H member 5; minus strand). Cytogenetic location: 14q23.2.
Variant type: single nucleotide variant.
Coding change: c.2029C>G on transcript NM_139318.5 (MANE Select); coding-DNA position 2029, C replaced by G.
Protein change: p.Arg677Gly; replaces arginine 677 with glycine.
Molecular consequence: missense variant.
Genome position (GRCh38, 1-based): chr14:62,708,446, G>C on the plus strand (C>G on the coding strand, the complement: KCNH5 is on the minus strand). VCF-style: chr14-62708446-G-C. GRCh37 (hg19) VCF-style: chr14-63175164-G-C.
Other names: c.1832C>G, p.Ser611Trp (NM_172375.3); short protein forms R677G, S611W.
Identifiers: ClinVar variation 2844556 (VCV002844556.3), dbSNP rs750874924, ClinGen allele CA390101506.

ClinVar aggregate classification (germline): Uncertain significance (1 of 4 stars; one submission).

Conditions:
Early-infantile DEE. Also called: Early infantile epileptic encephalopathy; Early infantile epileptic encephalopathy with suppression bursts; Ohtahara syndrome. Identifiers: Orphanet 1934, MedGen C0393706, MONDO:0800491.

Submission:

Labcorp Genetics (formerly Invitae), Labcorp
Classification: Uncertain significance for Early-infantile DEE. Last evaluated: 2023-08-24. Review status: criteria provided, single submitter. Criteria: Invitae Variant Classification Sherloc (09022015). Collection method: clinical testing. Allele origin: germline.
Comment: This sequence change replaces arginine, which is basic and polar, with glycine, which is neutral and non-polar, at codon 677 of the KCNH5 protein (p.Arg677Gly). In summary, the available evidence is currently insufficient to determine the role of this variant in disease. Therefore, it has been classified as a Variant of Uncertain Significance. An algorithm developed to predict the effect of missense changes on protein structure and function (PolyPhen-2) suggests that this variant is likely to be disruptive. This variant has not been reported in the literature in individuals affected with KCNH5-related conditions. This variant is not present in population databases (gnomAD no frequency).